The following is an entry in ClinVar:

ClinVar aggregate classification (germline): Uncertain significance. Review status: criteria provided, multiple submitters, no conflicts (2 of 4 stars). 5 submissions from 5 submitters: Uncertain significance (4). 1 of the submissions does not count toward it. Last evaluated 2025-08-29.

Conditions:
Tietz syndrome (TADS). Also called: HYPOPIGMENTATION/DEAFNESS OF TIETZ; TIETZ ALBINISM-DEAFNESS SYNDROME; ALBINISM-DEAFNESS OF TIETZ. Identifiers: Orphanet 42665, MedGen C0391816, MONDO:0007077, OMIM 103500.
Waardenburg syndrome type 2A (WS2A). Also called: WAARDENBURG SYNDROME WITHOUT DYSTOPIA CANTHORUM. Identifiers: Orphanet 3440, MedGen C1860339, MONDO:0008671, OMIM 193510.
Melanoma, cutaneous malignant, susceptibility to, 8. Also called: Cutaneous malignant melanoma 8; MELANOMA AND RENAL CELL CARCINOMA, SUSCEPTIBILITY TO. Identifiers: Orphanet 293822, MedGen C3152204, MONDO:0013759, OMIM 614456.
Hereditary cancer-predisposing syndrome. Also called: Hereditary Cancer Syndrome; Tumor predisposition; Hereditary neoplastic syndrome; Neoplastic Syndromes, Hereditary. Identifiers: Orphanet 140162, MedGen C0027672, MeSH D009386, MONDO:0015356.

Allele frequency attached by ClinVar (database versions not stated): gnomAD exomes below 0.00001; ExAC 0.00001.
gnomAD v4.1: 5 of 1,605,948 alleles (0.00031%); highest among the groups gnomAD compares: Middle Eastern, 0.033%; no homozygotes.

Submissions (5):

Labcorp Genetics (formerly Invitae), Labcorp
Classification: Uncertain significance for Melanoma, cutaneous malignant, susceptibility to, 8; Waardenburg syndrome type 2A; Tietz syndrome. Last evaluated: 2025-08-29. Review status: criteria provided, single submitter. Criteria: Invitae Variant Classification Sherloc (09022015). Collection method: clinical testing. Allele origin: germline.
Comment: This sequence change replaces aspartic acid, which is acidic and polar, with glycine, which is neutral and non-polar, at codon 118 of the MITF protein (p.Asp118Gly). This variant is present in population databases (rs760625551, gnomAD 0.0009%). This variant has not been reported in the literature in individuals affected with MITF-related conditions. ClinVar contains an entry for this variant (Variation ID: 1049403). Invitae Evidence Modeling of protein sequence and biophysical properties (such as structural, functional, and spatial information, amino acid conservation, physicochemical variation, residue mobility, and thermodynamic stability) indicates that this missense variant is not expected to disrupt MITF protein function with a negative predictive value of 80%. In summary, the available evidence is currently insufficient to determine the role of this variant in disease. Therefore, it has been classified as a Variant of Uncertain Significance.

Ambry Genetics
Classification: Uncertain significance for Hereditary cancer-predisposing syndrome. Last evaluated: 2024-12-16. Review status: criteria provided, single submitter. Criteria: Ambry Variant Classification Scheme 2023. Collection method: clinical testing. Allele origin: germline.
Comment: The p.D118G variant (also known as c.353A>G), located in coding exon 4 of the MITF gene, results from an A to G substitution at nucleotide position 353. The aspartic acid at codon 118 is replaced by glycine, an amino acid with similar properties. This amino acid position is conserved. In addition, the in silico prediction for this alteration is inconclusive. Based on the available evidence, the clinical significance of this variant remains unclear.

GeneDx
Classification: Uncertain significance. Last evaluated: 2023-07-26. Review status: criteria provided, single submitter. Criteria: GeneDx Variant Classification Process June 2021. Collection method: clinical testing. Allele origin: germline. Affected: yes.
Comment: Not observed at significant frequency in large population cohorts (gnomAD); In silico analysis supports that this missense variant has a deleterious effect on protein structure/function; Has not been previously published as pathogenic or benign to our knowledge

Blueprint Genetics
Classification: Uncertain significance. Last evaluated: 2022-11-15. Review status: criteria provided, single submitter. Criteria: ACMG Guidelines, 2015. Collection method: clinical testing. Allele origin: germline.

Department of Pathology and Laboratory Medicine, Sinai Health System
Classification: Uncertain significance. Review status: no assertion criteria provided. Collection method: clinical testing. Allele origin: unknown. Affected: yes. Study: The Canadian Open Genetics Repository (COGR). Not counted in ClinVar's aggregate classification.
Comment: The MITF p.Asp173Gly variant was not identified in the literature nor was it identified in the ClinVar, Cosmic, or LOVD 3.0 databases. The variant was identified in the dbSNP (ID: rs760625551) database. The variant was identified in the control database Exome Aggregation Consortium (August 8th 2016) in 0.0008377% (1) of 119372 chromosomes. The variant was observed in the European (non-Finnish) population 1 of 65656 chromosomes (freq: 0.000015), while the variant was not observed in the African, East Asian, European (Finnish), Latino, Other, and South Asian populations. The variant was not identified in the following control databases: the 1000 Genomes Project, the NHLBI GO Exome Sequencing Project or the Genome Aggregation Database (Feb 27, 2017). The variant occurs outside of the splicing consensus sequence and in silico or computational prediction software programs (SpliceSiteFinder, MaxEntScan, NNSPLICE, GeneSplicer) do not predict a difference in splicing. The p.Asp173 residue is conserved across mammals and other organisms, and four out of five computational analyses (PolyPhen-2, SIFT, BLOSUM, MutationTaster) suggest that the D variant may impact the protein; however, this information is not predictive enough to assume pathogenicity. In summary, based on the above information the clinical significance of this variant cannot be determined with certainty at this time. This variant is classified as a variant of uncertain significance.

NM_001354604.2(MITF):c.674A>G (p.Asp225Gly)

Gene: MITF (melanocyte inducing transcription factor; plus strand). Cytogenetic location: 3p13.
Variant type: single nucleotide variant.
Coding change: c.674A>G on transcript NM_001354604.2 (MANE Select); coding-DNA position 674, A replaced by G.
Protein change: p.Asp225Gly; replaces aspartic acid 225 with glycine.
Molecular consequence: missense variant.
Genome position (GRCh38, 1-based): chr3:69,941,243, A>G. VCF-style: chr3-69941243-A-G. GRCh37 (hg19) VCF-style: chr3-69990394-A-G.
Other names: c.353A>G (NM_000248.3); c.353A>G, p.Asp118Gly (NM_000248.4, NM_198158.3); c.518A>G, p.Asp173Gly (NM_001184967.2, NM_001354608.2); c.671A>G, p.Asp224Gly (NM_001354605.2, NM_001354606.2, NM_006722.3); c.623A>G, p.Asp208Gly (NM_001354607.2); c.674A>G, p.Asp225Gly (NM_198159.3); c.626A>G, p.Asp209Gly (NM_198177.3); c.185A>G, p.Asp62Gly (NM_198178.3); short protein forms D118G, D173G, D208G, D209G, D224G, D225G, D62G.
Identifiers: ClinVar variation 1049403 (VCV001049403.7), dbSNP rs760625551, ClinGen allele CA2490437.